The following is an entry in ClinVar:

NM_004329.3(BMPR1A):c.25A>T (p.Arg9Ter)

Gene: BMPR1A (bone morphogenetic protein receptor type 1A; plus strand). Cytogenetic location: 10q23.2.
Variant type: single nucleotide variant.
Coding change: c.25A>T on transcript NM_004329.3 (MANE Select); coding-DNA position 25, A replaced by T.
Protein change: p.Arg9Ter; replaces arginine 9 with a stop codon.
Molecular consequence: nonsense.
Genome position (GRCh38, 1-based): chr10:86,876,043, A>T. VCF-style: chr10-86876043-A-T. GRCh37 (hg19) VCF-style: chr10-88635800-A-T.
Other names: c.25A>T, p.Arg9Ter (NM_001406568.1, NM_001406569.1, NM_001406570.1 and 23 more transcripts); c.-55A>T (NM_001406588.1); short protein forms R9*.
Identifiers: ClinVar variation 1793638 (VCV001793638.5), dbSNP rs1564710631, ClinGen allele CA377774789.
Genomic context (GRCh38, chr10:86,876,043, plus strand): 5'-AAGGTGACAGTACACAGGAAACATTACAATTGAACAATGCCTCAGCTATACATTTACATC[A>T]GATTATTGGGAGCCTATTTGTTCATCATTTCTCGTGTTCAAGGTAAATCAGTGTTCATTT-3'

ClinVar aggregate classification (germline): Pathogenic/Likely pathogenic. Review status: criteria provided, multiple submitters, no conflicts (2 of 4 stars). 3 submissions from 3 submitters: Pathogenic (2); Likely pathogenic (1). Last evaluated 2023-05-25.

Conditions:
Hereditary cancer-predisposing syndrome. Also called: Neoplastic Syndromes, Hereditary; Tumor predisposition; Hereditary neoplastic syndrome; Hereditary Cancer Syndrome. Identifiers: Orphanet 140162, MedGen C0027672, MeSH D009386, MONDO:0015356.
Juvenile polyposis syndrome (JPS). Identifiers: Orphanet 2929, MedGen C0345893, MONDO:0017380, OMIM 174900.
Polyposis syndrome, hereditary mixed, 2. Identifiers: Orphanet 157794, MedGen C1864730, MONDO:0012405, OMIM 610069.

Submissions (3):

Myriad Genetics, Inc.
Classification: Pathogenic for Juvenile polyposis syndrome. Last evaluated: 2023-05-25. Review status: criteria provided, single submitter. Criteria: Myriad Autosomal Dominant, Autosomal Recessive and X-Linked Classification Criteria (2023). Collection method: clinical testing. Allele origin: unknown.
Comment: This variant is considered pathogenic. This variant creates a termination codon and is predicted to result in premature protein truncation.

Baylor Genetics
Classification: Likely pathogenic for Polyposis syndrome, hereditary mixed, 2. Last evaluated: 2023-04-27. Review status: criteria provided, single submitter. Criteria: ACMG Guidelines, 2015. Collection method: clinical testing. Allele origin: unknown.

Ambry Genetics
Classification: Pathogenic for Hereditary cancer-predisposing syndrome. Last evaluated: 2015-12-10. Review status: criteria provided, single submitter. Criteria: Ambry Variant Classification Scheme 2023. Collection method: clinical testing. Allele origin: germline.
Comment: The p.R9* pathogenic mutation (also known as c.25A>T), located in coding exon 1 of the BMPR1A gene, results from an A to T substitution at nucleotide position 25. This changes the amino acid from an arginine to a stop codon within coding exon 1. Since premature stop codons are typically deleterious in nature, this alteration is interpreted as a disease-causing mutation (ACMG Recommendations for Standards for Interpretation and Reporting of Sequence Variations. Revision 2007. Genet Med. 2008;10:294).